The following is an entry in ClinVar:

NM_000092.5(COL4A4):c.1775C>G (p.Ala592Gly)

Gene: COL4A4 (collagen type IV alpha 4 chain; minus strand). Cytogenetic location: 2q36.3.
Variant type: single nucleotide variant.
Coding change: c.1775C>G on transcript NM_000092.5 (MANE Select); coding-DNA position 1775, C replaced by G.
Protein change: p.Ala592Gly; replaces alanine 592 with glycine.
Molecular consequence: missense variant.
Genome position (GRCh38, 1-based): chr2:227,080,471, G>C on the plus strand (C>G on the coding strand, the complement: COL4A4 is on the minus strand). VCF-style: chr2-227080471-G-C. GRCh37 (hg19) VCF-style: chr2-227945187-G-C.
Other names: short protein forms A592G.
Identifiers: ClinVar variation 3347754 (VCV003347754.1).

ClinVar aggregate classification (germline): Uncertain significance (0 of 4 stars; one submission).

Conditions:
COL4A4-related disorder.

Submission:

PreventionGenetics, part of Exact Sciences
Classification: Uncertain significance for COL4A4-related condition. Last evaluated: 2024-03-27. Review status: no assertion criteria provided. Collection method: clinical testing. Allele origin: germline.
Comment: The COL4A4 c.1775C>G variant is predicted to result in the amino acid substitution p.Ala592Gly. To our knowledge, this variant has not been reported in the literature or in a large population database, indicating this variant is rare. At this time, the clinical significance of this variant is uncertain due to the absence of conclusive functional and genetic evidence.